The following is an entry in ClinVar:

ClinVar aggregate classification (germline): Likely benign (0 of 4 stars; one submission).

Conditions:
FKRP-related disorder. Also called: FKRP-related condition.

Submission:

PreventionGenetics, part of Exact Sciences
Classification: Likely benign for FKRP-related condition. Last evaluated: 2020-01-02. Review status: no assertion criteria provided. Collection method: clinical testing. Allele origin: germline.
Comment: This variant is classified as likely benign based on ACMG/AMP sequence variant interpretation guidelines (Richards et al. 2015 PMID: 25741868, with internal and published modifications).

NM_024301.5(FKRP):c.1431C>A (p.Val477=)

Gene: FKRP (fukutin related protein; plus strand). Cytogenetic location: 19q13.32.
Variant type: single nucleotide variant.
Coding change: c.1431C>A on transcript NM_024301.5 (MANE Select); coding-DNA position 1431, C replaced by A.
Protein change: p.Val477=; no amino-acid change (valine 477 retained).
Molecular consequence: synonymous variant.
Genome position (GRCh38, 1-based): chr19:46,756,881, C>A. VCF-style: chr19-46756881-C-A. GRCh37 (hg19) VCF-style: chr19-47260138-C-A.
Other names: c.1431C>A, p.Val477= (NM_001039885.3).
Identifiers: ClinVar variation 3037493 (VCV003037493.2), dbSNP rs2514000280, ClinGen allele CA507976407.